The following is an entry in ClinVar:

NM_001089.3(ABCA3):c.139C>T (p.Gln47Ter)

Gene: ABCA3 (ATP binding cassette subfamily A member 3; minus strand). Cytogenetic location: 16p13.3.
Variant type: single nucleotide variant.
Coding change: c.139C>T on transcript NM_001089.3 (MANE Select); coding-DNA position 139, C replaced by T.
Protein change: p.Gln47Ter; replaces glutamine 47 with a stop codon.
Molecular consequence: nonsense.
Genome position (GRCh38, 1-based): chr16:2,326,190, G>A on the plus strand (C>T on the coding strand, the complement: ABCA3 is on the minus strand). VCF-style: chr16-2326190-G-A. GRCh37 (hg19) VCF-style: chr16-2376191-G-A.
Other names: short protein forms Q47*.
Identifiers: ClinVar variation 5014541 (VCV005014541.1).

ClinVar aggregate classification (germline): Pathogenic (1 of 4 stars; one submission).

Conditions:
Interstitial lung disease due to ABCA3 deficiency. Also called: PULMONARY ALVEOLAR PROTEINOSIS, CONGENITAL, 3. Identifiers: Orphanet 440402, MedGen C1970456, MONDO:0012582, OMIM 610921.

Submission:

Myriad Genetics, Inc.
Classification: Pathogenic for Interstitial lung disease due to ABCA3 deficiency. Last evaluated: 2025-05-31. Review status: criteria provided, single submitter. Criteria: Myriad Autosomal Dominant, Autosomal Recessive and X-Linked Classification Criteria (2023). Collection method: clinical testing. Allele origin: unknown.
Comment: NM_001089.2(ABCA3):c.139C>T(Q47*) is expected to be pathogenic in the context of surfactant deficiency, ABCA3-related. This variant is predicted to lead to an abnormal or absent protein product due to the creation of a premature termination codon in ABCA3, a gene where loss-of-function variants are known to be pathogenic. Please note: this variant was assessed in the context of healthy population screening.